The following is an entry in ClinVar:

ClinVar aggregate classification (germline): Uncertain significance (1 of 4 stars; one submission).

Conditions:
Inborn genetic diseases. Identifiers: MedGen C0950123, MeSH D030342.

Allele frequency attached by ClinVar (database versions not stated): gnomAD exomes 0.00001.
gnomAD v4.1: 12 of 1,612,014 alleles (0.00074%); highest among the groups gnomAD compares: Admixed American, 0.0017%; no homozygotes.

Submission:

Ambry Genetics
Classification: Uncertain significance for Inborn genetic diseases. Last evaluated: 2022-07-08. Review status: criteria provided, single submitter. Criteria: Ambry Variant Classification Scheme 2023. Collection method: clinical testing. Allele origin: germline.
Comment: The p.L11P variant (also known as c.32T>C), located in coding exon 1 of the PLEKHG5 gene, results from a T to C substitution at nucleotide position 32. The leucine at codon 11 is replaced by proline, an amino acid with similar properties. This amino acid position is conserved. In addition, the in silico prediction for this alteration is inconclusive. Since supporting evidence is limited at this time, the clinical significance of this alteration remains unclear.

NM_020631.6(PLEKHG5):c.32T>C (p.Leu11Pro)

Genes: PLEKHG5 (pleckstrin homology and RhoGEF domain containing G5; minus strand), LOC126805598 (MED14-independent group 3 enhancer GRCh37_chr1:6536823-6538022; plus strand). Cytogenetic location: 1p36.31.
Variant type: single nucleotide variant.
Coding change: c.32T>C on transcript NM_020631.6 (MANE Select); coding-DNA position 32, T replaced by C.
Protein change: p.Leu11Pro; replaces leucine 11 with proline.
Molecular consequence: missense variant.
Genome position (GRCh38, 1-based): chr1:6,477,540, A>G on the plus strand (T>C on the coding strand, the complement: PLEKHG5 is on the minus strand). VCF-style: chr1-6477540-A-G. GRCh37 (hg19) VCF-style: chr1-6537600-A-G.
Other names: c.143T>C, p.Leu48Pro (NM_001042663.3, NM_001265592.2); c.32T>C, p.Leu11Pro (NM_001042664.2, NM_001042665.2, NM_001265594.3 and 1 more transcripts); c.239T>C, p.Leu80Pro (NM_001265593.2); short protein forms L11P, L48P, L80P.
Identifiers: ClinVar variation 1729962 (VCV001729962.2), dbSNP rs1426575824, ClinGen allele CA338141861.
Genomic context (GRCh38, chr1:6,477,540, plus strand): 5'-CTGACACAGGAGCTCTGGGGGCCGAGCTGCGGCTCCCGCCTGTGCTCACCTTGTGGGGGA[A>G]GGTCGAAGCGGACATGCCCATCATAATGCATGGTGCTGTGGAACTTGCTGTCACAGGCCT-3'
Protein context (NP_065682.2, residues 1-21): MHYDGHVRFD[Leu11Pro]PPQGSVLARN